The following is an entry in ClinVar:

ClinVar aggregate classification (germline): Pathogenic (1 of 4 stars; one submission).

Conditions:
Hereditary cancer-predisposing syndrome. Also called: Hereditary Cancer Syndrome; Hereditary neoplastic syndrome; Tumor predisposition; Neoplastic Syndromes, Hereditary. Identifiers: Orphanet 140162, MedGen C0027672, MeSH D009386, MONDO:0015356.
Cardiovascular phenotype. Identifiers: MedGen CN230736.

Submission:

Ambry Genetics
Classification: Pathogenic for Cardiovascular phenotype; Hereditary cancer-predisposing syndrome. Last evaluated: 2024-10-17. Review status: criteria provided, single submitter. Criteria: Ambry Variant Classification Scheme 2023. Collection method: clinical testing. Allele origin: germline.
Comment: The c.578_579delAT pathogenic mutation, located in coding exon 6 of the LZTR1 gene, results from a deletion of two nucleotides at nucleotide positions 578 to 579, causing a translational frameshift with a predicted alternate stop codon (p.Y193*). This variant is considered to be rare based on population cohorts in the Genome Aggregation Database (gnomAD). This alteration is expected to result in loss of function by premature protein truncation or nonsense-mediated mRNA decay. Loss-of-function variants in LZTR1 are related to an increased risk for schwannomas and autosomal recessive Noonan syndrome; however, such associations with autosomal dominant Noonan syndrome have not been observed (Piotrowski A et al. Nat Genet. 2014 Feb;46:182-7; Yamamoto GL et al. J Med Genet. 2015 Jun;52:413-21; Johnston JJ et al. Genet Med. 2018 10;20:1175-1185). Based on the supporting evidence, this variant is pathogenic for an increased risk of LZTR1-related schwannomatosis (SWN) and would be expected to cause autosomal recessive Noonan syndrome when present along with a second pathogenic or likely pathogenic variant on the other allele; however, the association of this alteration with autosomal dominant Noonan syndrome is unlikely.

NM_006767.4(LZTR1):c.578_579del (p.Gly192_Tyr193insTer)

Gene: LZTR1 (leucine zipper like post translational regulator 1; plus strand). Cytogenetic location: 22q11.21.
Variant type: Deletion.
Coding change: c.578_579del on transcript NM_006767.4 (MANE Select); coding-DNA positions 578 to 579, 2 bases deleted (AT; older notation c.578_579delAT).
Protein change: p.Gly192_Tyr193insTer.
Molecular consequence: nonsense.
Genome position (GRCh38, 1-based): chr22:20,988,857-20,988,858, AT deleted; deleting any 2 consecutive bases within chr22:20,988,856-20,988,858 gives the same sequence; the c. name uses the placement nearest the transcript's 3' end. VCF-style (leftmost placement, unchanged base first): chr22-20988855-CTA-C. GRCh37 (hg19) VCF-style: chr22-21343144-CTA-C.
Identifiers: ClinVar variation 3541642 (VCV003541642.1).